The following is an entry in ClinVar:

NM_001329556.3(REEP6):c.598+1G>A

Gene: REEP6 (receptor accessory protein 6; plus strand). Cytogenetic location: 19p13.3.
Variant type: single nucleotide variant.
Coding change: c.598+1G>A on transcript NM_001329556.3 (MANE Plus Clinical); the canonical splice donor site of the intron after coding-DNA position 598, G replaced by A.
Molecular consequence: splice donor variant. On other transcripts: intron variant (1).
Genome position (GRCh38, 1-based): chr19:1,496,672, G>A. VCF-style: chr19-1496672-G-A. GRCh37 (hg19) VCF-style: chr19-1496671-G-A.
Other names: c.517+219G>A (NM_138393.4); c.598+1G>A (NM_001329556.1).
Identifiers: ClinVar variation 1037002 (VCV001037002.12), dbSNP rs751330788, ClinGen allele CA9047653.

ClinVar aggregate classification (germline): Conflicting classifications of pathogenicity. Review status: criteria provided, conflicting classifications (1 of 4 stars). 6 submissions from 6 submitters: Pathogenic (1); Likely pathogenic (2); Uncertain significance (3). Last evaluated 2026-09-01.

Conditions:
Retinitis pigmentosa 77 (RP77). Identifiers: MedGen C4310626, MONDO:0015013, OMIM 617304.
REEP6-related disorder. Also called: REEP6-related condition.

Allele frequency attached by ClinVar (database versions not stated): TOPMed 0.00010; ExAC 0.00025.
gnomAD v4.1: 57 of 723,228 alleles (0.0079%); highest among the groups gnomAD compares: East Asian, 0.054%; no homozygotes.

Submissions (6):

PreventionGenetics, part of Exact Sciences
Classification: Likely pathogenic for REEP6-related condition. Last evaluated: 2026-09-01. Review status: criteria provided, single submitter. Criteria: ACMG Guidelines, 2015. Collection method: clinical testing. Allele origin: germline.
Comment: The REEP6 c.598+1G>A variant is predicted to disrupt the GT donor site and interfere with normal splicing. To our knowledge, this variant has not been reported in the literature. This variant is reported in 0.061% of alleles in individuals of East Asian descent in gnomAD. Variants that disrupt the consensus splice donor site in REEP6 are expected to be pathogenic. This variant is interpreted as likely pathogenic.

Dasa
Classification: Uncertain significance for Retinitis pigmentosa 77. Last evaluated: 2026-01-16. Review status: criteria provided, single submitter. Criteria: DASA Assertion Criteria. Collection method: clinical testing. Allele origin: germline.
Comment: NM_001329556.3(REEP6):c.598+1G>A affects a canonical splice site and is predicted to disrupt normal RNA splicing. This variant has been observed in affected individuals with REEP6-related disorders. Also, this variant is rare in population databases. The currently available literature and clinical evidence are not sufficient to establish a definitive association between this variant and the reported condition. Therefore, this variant is classified as a variant of uncertain significance.

Labcorp Genetics (formerly Invitae), Labcorp
Classification: Uncertain significance. Last evaluated: 2024-12-10. Review status: criteria provided, single submitter. Criteria: Invitae Variant Classification Sherloc (09022015). Collection method: clinical testing. Allele origin: germline.
Comment: This sequence change affects a donor splice site in intron 5 of the REEP6 gene. While this variant is not anticipated to result in nonsense mediated decay, it likely alters RNA splicing and results in a disrupted protein product. The frequency data for this variant in the population databases is considered unreliable, as metrics indicate poor data quality at this position in the gnomAD database. Disruption of this splice site has been observed in individuals with retinitis pigmentosa (internal data). ClinVar contains an entry for this variant (Variation ID: 1037002). Variants that disrupt the consensus splice site are a relatively common cause of aberrant splicing (PMID: 17576681, 9536098). Algorithms developed to predict the effect of sequence changes on RNA splicing suggest that this variant may disrupt the consensus splice site. In summary, the available evidence is currently insufficient to determine the role of this variant in disease. Therefore, it has been classified as a Variant of Uncertain Significance.

3billion
Classification: Likely pathogenic for Retinitis pigmentosa 77. Last evaluated: 2023-06-05. Review status: criteria provided, single submitter. Criteria: ACMG Guidelines, 2015. Collection method: clinical testing. Allele origin: germline. Affected: yes.
Comment: The variant is not observed in the gnomAD v2.1.1 dataset. Predicted Consequence/Location: Canonical splice site: predicted to alter splicing and result in a loss or disruption of normal protein function. Multiple pathogenic loss-of-function variants are reported downstream of the variant. Therefore, this variant is classified as Pathogenic according to the recommendation of ACMG/AMP guideline.

Blueprint Genetics
Classification: Pathogenic for REEP6-related disorders. Last evaluated: 2022-06-27. Review status: criteria provided, single submitter. Criteria: ACMG Guidelines, 2015. Collection method: clinical testing. Allele origin: germline. Affected: yes. Observed: 4 variant alleles.

Juno Genomics, Hangzhou Juno Genomics, Inc
Classification: Uncertain significance for Retinitis pigmentosa 77. Review status: criteria provided, single submitter. Criteria: ACMG Guidelines, 2015. Collection method: clinical testing. Allele origin: germline. Affected: yes.
Comment: Absent from controls (or at extremely low frequency if recessive) in Genome Aggregation Database, Exome Sequencing Project, 1000 Genomes Project, or Exome Aggregation Consortium.;Null variant in a gene where loss of function (LOF) is a known mechanism of disease.

Literature cited by the submitters: PubMed 17576681 (cited by Labcorp Genetics (formerly Invitae), Labcorp); PubMed 9536098 (cited by Labcorp Genetics (formerly Invitae), Labcorp).